The following is an entry in ClinVar:

ClinVar aggregate classification (germline): Uncertain significance (1 of 4 stars; one submission).

Conditions:
Hereditary spastic paraplegia 64. Also called: Spastic paraplegia 64, autosomal recessive; ENTPD1-Related Neurodevelopmental Disorder. Identifiers: Orphanet 401810, MedGen C3810289, MONDO:0014303, OMIM 615683.

Allele frequency attached by ClinVar (database versions not stated): gnomAD exomes below 0.00001; ExAC 0.00001.
gnomAD v4.1: 1 of 1,613,746 alleles (0.000062%); highest among the groups gnomAD compares: East Asian, 0.0022%; no homozygotes.

Submission:

Labcorp Genetics (formerly Invitae), Labcorp
Classification: Uncertain significance for Hereditary spastic paraplegia 64. Last evaluated: 2022-02-03. Review status: criteria provided, single submitter. Criteria: Invitae Variant Classification Sherloc (09022015). Collection method: clinical testing. Allele origin: germline.
Comment: In summary, the available evidence is currently insufficient to determine the role of this variant in disease. Therefore, it has been classified as a Variant of Uncertain Significance. Algorithms developed to predict the effect of missense changes on protein structure and function output the following: SIFT: "Tolerated"; PolyPhen-2: "Benign"; Align-GVGD: "Class C0". The lysine amino acid residue is found in multiple mammalian species, which suggests that this missense change does not adversely affect protein function. ClinVar contains an entry for this variant (Variation ID: 1056970). This variant has not been reported in the literature in individuals affected with ENTPD1-related conditions. This variant is present in population databases (rs755289249, gnomAD 0.006%). This sequence change replaces glutamic acid, which is acidic and polar, with lysine, which is basic and polar, at codon 435 of the ENTPD1 protein (p.Glu435Lys).

NM_001776.6(ENTPD1):c.1303G>A (p.Glu435Lys)

Genes: ENTPD1 (ectonucleoside triphosphate diphosphohydrolase 1; plus strand), ENTPD1-AS1 (ENTPD1 antisense RNA 1; minus strand). Cytogenetic location: 10q24.1.
Variant type: single nucleotide variant.
Coding change: c.1303G>A on transcript NM_001776.6 (MANE Select); coding-DNA position 1303, G replaced by A.
Protein change: p.Glu435Lys; replaces glutamic acid 435 with lysine.
Molecular consequence: missense variant.
Genome position (GRCh38, 1-based): chr10:95,864,838, G>A. VCF-style: chr10-95864838-G-A. GRCh37 (hg19) VCF-style: chr10-97624595-G-A.
Other names: c.1324G>A, p.Glu442Lys (NM_001098175.2); c.1339G>A, p.Glu447Lys (NM_001164178.1, NM_001320916.1); c.1180G>A, p.Glu394Lys (NM_001164179.2); c.979G>A, p.Glu327Lys (NM_001164181.1, NM_001312654.1); c.889G>A, p.Glu297Lys (NM_001164182.2, NM_001164183.2); short protein forms E297K, E327K, E394K, E435K, E442K, E447K.
Identifiers: ClinVar variation 1056970 (VCV001056970.9), dbSNP rs755289249, ClinGen allele CA5621608.